The following is an entry in ClinVar:

NM_001042492.3(NF1):c.3455_3458del (p.Leu1152fs)

Gene: NF1 (neurofibromin 1; plus strand). Cytogenetic location: 17q11.2.
Variant type: Deletion.
Coding change: c.3455_3458del on transcript NM_001042492.3 (MANE Select); coding-DNA positions 3455 to 3458, 4 bases deleted (TACT; older notation c.3455_3458delTACT).
Protein change: p.Leu1152fs; shifts the reading frame from leucine 1152.
Molecular consequence: frameshift variant.
Genome position (GRCh38, 1-based): chr17:31,232,840-31,232,843, TACT deleted; deleting any 4 consecutive bases within chr17:31,232,837-31,232,843 gives the same sequence; the c. name uses the placement nearest the transcript's 3' end. VCF-style (leftmost placement, unchanged base first): chr17-31232836-AACTT-A. GRCh37 (hg19) VCF-style: chr17-29559854-AACTT-A.
Other names: c.3455_3458delTACT, p.Leu1152Serfs (NM_000267.4); short protein forms L1152fs.
Identifiers: ClinVar variation 1072353 (VCV001072353.5), dbSNP rs2151434766, ClinGen allele CA2499224098.

ClinVar aggregate classification (germline): Pathogenic (1 of 4 stars; one submission).

Conditions:
Neurofibromatosis, type 1 (NF1). Also called: VON RECKLINGHAUSEN DISEASE; Peripheral type neurofibromatosis; NEUROFIBROMATOSIS, TYPE I, SOMATIC; Neurofibromatosis, type I. Identifiers: Orphanet 636, MedGen C0027831, MONDO:0018975, OMIM 162200. Disease mechanism: loss of function.

Submission:

Labcorp Genetics (formerly Invitae), Labcorp
Classification: Pathogenic for Neurofibromatosis, type 1. Last evaluated: 2024-05-29. Review status: criteria provided, single submitter. Criteria: Invitae Variant Classification Sherloc (09022015). Collection method: clinical testing. Allele origin: germline.
Comment: This sequence change creates a premature translational stop signal (p.Leu1152Serfs*5) in the NF1 gene. It is expected to result in an absent or disrupted protein product. Loss-of-function variants in NF1 are known to be pathogenic (PMID: 10712197, 23913538). This variant is not present in population databases (gnomAD no frequency). This variant has not been reported in the literature in individuals affected with NF1-related conditions. ClinVar contains an entry for this variant (Variation ID: 1072353). For these reasons, this variant has been classified as Pathogenic.

Literature cited by the submitters: PubMed 10712197; PubMed 23913538.